The following is an entry in ClinVar:

NM_001371596.2(MFSD8):c.527A>C (p.Gln176Pro)

Gene: MFSD8 (major facilitator superfamily domain containing 8; minus strand). Cytogenetic location: 4q28.2.
Variant type: single nucleotide variant.
Coding change: c.527A>C on transcript NM_001371596.2 (MANE Select); coding-DNA position 527, A replaced by C.
Protein change: p.Gln176Pro; replaces glutamine 176 with proline.
Molecular consequence: missense variant. On other transcripts: intron variant (4).
Genome position (GRCh38, 1-based): chr4:127,942,071, T>G on the plus strand (A>C on the coding strand, the complement: MFSD8 is on the minus strand). VCF-style: chr4-127942071-T-G. GRCh37 (hg19) VCF-style: chr4-128863226-T-G.
Other names: c.527A>C, p.Gln176Pro (NM_001363520.3, NM_001371591.2, NM_001371592.2 and 3 more transcripts); c.392A>C, p.Gln131Pro (NM_001371590.2, NM_001371595.1); c.304+1681A>C (NM_001410765.1); c.439+1681A>C (NM_001363521.3, NM_001410766.1, NM_001371593.2); short protein forms Q131P, Q176P.
Identifiers: ClinVar variation 4854654 (VCV004854654.1).
Genomic context (GRCh38, chr4:127,942,071, plus strand): 5'-CAAATTCAAGTAATGACATGTGAAGAACACCTACCTGGACCTAGAATAAAACCTAATGCT[T>G]GACACATGCTTATGTTTGCCATGGAACTTGTTCTTTCCTGAAGGGAAGTAGCACCAGCAG-3'
Protein context (NP_001358525.1, residues 166-186): TSSMANISMC[Gln176Pro]ALGFILGPVF

ClinVar aggregate classification (germline): Uncertain significance (1 of 4 stars; one submission).

Conditions:
Neuronal ceroid lipofuscinosis 7 (CLN7). Also called: MFSD8-Related Neuronal Ceroid-Lipofuscinosis. Identifiers: Orphanet 168491, Orphanet 228366, MedGen C1838571, MONDO:0012588, OMIM 610951.

Submission:

3billion
Classification: Uncertain significance for Neuronal ceroid lipofuscinosis 7. Last evaluated: 2025-12-10. Review status: criteria provided, single submitter. Criteria: ACMG Guidelines, 2015. Collection method: clinical testing. Allele origin: germline. Affected: yes.
Comment: The variant is not observed in the gnomAD v4.1.0 dataset. Predicted Consequence/Location: Missense variant. In silico tool predictions suggest damaging effect of the variant on gene or gene product [REVEL: 0.61 (>=0.6, sensitivity 0.68 and specificity 0.92); 3Cnet: 0.99 (> 0.75, sensitivity 0.96 and precision 0.92)]. Therefore, this variant is classified as VUS according to the recommendation of ACMG/AMP guideline.